The following is an entry in ClinVar:

ClinVar aggregate classification (germline): Uncertain significance (1 of 4 stars; one submission).

Allele frequency attached by ClinVar (database versions not stated): gnomAD 0.00001; gnomAD exomes 0.00001; TOPMed 0.00002.
gnomAD v4.1: 16 of 1,614,096 alleles (0.00099%); highest among the groups gnomAD compares: Admixed American, 0.017%; no homozygotes.

Submission:

Labcorp Genetics (formerly Invitae), Labcorp
Classification: Uncertain significance. Last evaluated: 2025-09-21. Review status: criteria provided, single submitter. Criteria: Invitae Variant Classification Sherloc (09022015). Collection method: clinical testing. Allele origin: germline.
Comment: This sequence change replaces serine, which is neutral and polar, with cysteine, which is neutral and slightly polar, at codon 1553 of the DSCAML1 protein (p.Ser1553Cys). This variant is present in population databases (no rsID available, gnomAD 0.02%). This missense change has been observed in individual(s) with clinical features of DSCAML1-related disease (PMID: 31038196). ClinVar contains an entry for this variant (Variation ID: 2039711). An algorithm developed to predict the effect of missense changes on protein structure and function (PolyPhen-2) suggests that this variant is likely to be disruptive. In summary, the available evidence is currently insufficient to determine the role of this variant in disease. Therefore, it has been classified as a Variant of Uncertain Significance.

Literature cited by the submitters: PubMed 31038196.

NM_020693.4(DSCAML1):c.4478C>G (p.Ser1493Cys)

Gene: DSCAML1 (DS cell adhesion molecule like 1; minus strand). Cytogenetic location: 11q23.3.
Variant type: single nucleotide variant.
Coding change: c.4478C>G on transcript NM_020693.4 (MANE Select); coding-DNA position 4478, C replaced by G.
Protein change: p.Ser1493Cys; replaces serine 1493 with cysteine.
Molecular consequence: missense variant.
Genome position (GRCh38, 1-based): chr11:117,437,364, G>C on the plus strand (C>G on the coding strand, the complement: DSCAML1 is on the minus strand). VCF-style: chr11-117437364-G-C. GRCh37 (hg19) VCF-style: chr11-117308080-G-C.
Other names: short protein forms S1493C.
Identifiers: ClinVar variation 2039711 (VCV002039711.4), dbSNP rs928478860, ClinGen allele CA229401666.
Genomic context (GRCh38, chr11:117,437,364, plus strand): 5'-ATGGCTGTGATAGGGCAGCCCCCATTGTTCCAGCCCTGCAGGTTAAGCCGAGCATGCGTG[G>C]AGTTGATGTGGGTGAAGAGGTGTTGGTCTTTGCTGAAGGAGGGCTCTGGCAGGCCGGAGG-3'
Protein context (NP_065744.3, residues 1483-1503): KDQHLFTHIN[Ser1493Cys]THARLNLQGW